The following is an entry in ClinVar:

ClinVar aggregate classification (germline): Likely pathogenic (1 of 4 stars; one submission).

Submission:

Mayo Clinic Laboratories, Mayo Clinic
Classification: Likely pathogenic. Last evaluated: 2024-11-01. Review status: criteria provided, single submitter. Criteria: ACMG Guidelines, 2015. Collection method: clinical testing. Allele origin: germline. Observed: 1 variant allele.
Comment: PP4, PM2_supporting, PVS1_strong

Literature cited by the submitters: PubMed 12576314; PubMed 17522339; PubMed 36700498.

NM_001102416.3(KNG1):c.1565_1566del (p.Glu522fs)

Gene: KNG1 (kininogen 1; plus strand). Cytogenetic location: 3q27.3.
Variant type: Microsatellite.
Coding change: c.1565_1566del on transcript NM_001102416.3 (MANE Select); coding-DNA positions 1565 to 1566, 2 bases deleted (AG; older notation c.1565_1566delAG).
Protein change: p.Glu522fs; shifts the reading frame from glutamic acid 522.
Molecular consequence: frameshift variant. On other transcripts: intron variant (2).
Genome position (GRCh38, 1-based): chr3:186,741,961-186,741,962, AG deleted; deleting any 2 consecutive bases within chr3:186,741,959-186,741,962 gives the same sequence; the c. name uses the placement nearest the transcript's 3' end. VCF-style (leftmost placement, unchanged base first): chr3-186741958-CAG-C. GRCh37 (hg19) VCF-style: chr3-186459747-CAG-C.
Other names: p.Glu522Alafs*7; c.1203+362_1203+363del (NM_000893.4); c.1095+362_1095+363del (NM_001166451.2); short protein forms E522fs.
Identifiers: ClinVar variation 4540961 (VCV004540961.1).